The following is an entry in ClinVar:

ClinVar aggregate classification (germline): Uncertain significance. Review status: criteria provided, multiple submitters, no conflicts (2 of 4 stars). 2 submissions from 2 submitters: Uncertain significance (2). Last evaluated 2024-05-17.

Conditions:
Emery-Dreifuss muscular dystrophy 5, autosomal dominant (EDMD5). Also called: EMERY-DREIFUSS MUSCULAR DYSTROPHY 5. Identifiers: Orphanet 261, MedGen C2751805, MONDO:0013072, OMIM 612999.

Allele frequency attached by ClinVar (database versions not stated): gnomAD 0.00001; gnomAD exomes 0.00001; ExAC 0.00002; TOPMed 0.00003.
gnomAD v4.1: 17 of 1,614,002 alleles (0.0011%); highest among the groups gnomAD compares: South Asian, 0.0033%; no homozygotes.

Submissions (2):

Labcorp Genetics (formerly Invitae), Labcorp
Classification: Uncertain significance for Emery-Dreifuss muscular dystrophy 5, autosomal dominant. Last evaluated: 2024-05-17. Review status: criteria provided, single submitter. Criteria: Invitae Variant Classification Sherloc (09022015). Collection method: clinical testing. Allele origin: germline.
Comment: This sequence change replaces valine, which is neutral and non-polar, with methionine, which is neutral and non-polar, at codon 4257 of the SYNE2 protein (p.Val4257Met). This variant is present in population databases (rs765323829, gnomAD 0.01%). This variant has not been reported in the literature in individuals affected with SYNE2-related conditions. ClinVar contains an entry for this variant (Variation ID: 1053350). Algorithms developed to predict the effect of missense changes on protein structure and function output the following: SIFT: "Not Available"; PolyPhen-2: "Benign"; Align-GVGD: "Not Available". The methionine amino acid residue is found in multiple mammalian species, which suggests that this missense change does not adversely affect protein function. In summary, the available evidence is currently insufficient to determine the role of this variant in disease. Therefore, it has been classified as a Variant of Uncertain Significance.

Revvity Omics, Revvity
Classification: Uncertain significance for Emery-Dreifuss muscular dystrophy 5, autosomal dominant. Last evaluated: 2019-09-13. Review status: criteria provided, single submitter. Criteria: ACMG Guidelines, 2015. Collection method: clinical testing. Allele origin: germline.

NM_182914.3(SYNE2):c.12769G>A (p.Val4257Met)

Gene: SYNE2 (spectrin repeat containing nuclear envelope protein 2; plus strand). Cytogenetic location: 14q23.2.
Variant type: single nucleotide variant.
Coding change: c.12769G>A on transcript NM_182914.3 (MANE Select); coding-DNA position 12769, G replaced by A.
Protein change: p.Val4257Met; replaces valine 4257 with methionine.
Molecular consequence: missense variant.
Genome position (GRCh38, 1-based): chr14:64,113,500, G>A. VCF-style: chr14-64113500-G-A. GRCh37 (hg19) VCF-style: chr14-64580218-G-A.
Other names: c.12769G>A, p.Val4257Met (NM_015180.6); c.12769G>A (NM_182914.2); short protein forms V4257M.
Identifiers: ClinVar variation 1053350 (VCV001053350.9), dbSNP rs765323829, ClinGen allele CA7222251.